The following is an entry in ClinVar:

ClinVar aggregate classification (germline): Uncertain significance. Review status: criteria provided, multiple submitters, no conflicts (2 of 4 stars). 2 submissions from 2 submitters: Uncertain significance (2). Last evaluated 2024-04-02.

Conditions:
Hereditary cancer-predisposing syndrome. Also called: Neoplastic Syndromes, Hereditary; Tumor predisposition; Hereditary Cancer Syndrome; Hereditary neoplastic syndrome. Identifiers: Orphanet 140162, MedGen C0027672, MeSH D009386, MONDO:0015356.
Cardiovascular phenotype. Identifiers: MedGen CN230736.

Allele frequency attached by ClinVar (database versions not stated): gnomAD 0.00001; TOPMed 0.00001.
gnomAD v4.1: 1 of 1,609,066 alleles (0.000062%); highest among the groups gnomAD compares: Non-Finnish European, 0.000085%; no homozygotes.

Submissions (2):

Labcorp Genetics (formerly Invitae), Labcorp
Classification: Uncertain significance. Last evaluated: 2024-04-02. Review status: criteria provided, single submitter. Criteria: Invitae Variant Classification Sherloc (09022015). Collection method: clinical testing. Allele origin: germline.
Comment: This sequence change replaces valine, which is neutral and non-polar, with methionine, which is neutral and non-polar, at codon 645 of the LZTR1 protein (p.Val645Met). This variant is present in population databases (no rsID available, gnomAD 0.007%). This variant has not been reported in the literature in individuals affected with LZTR1-related conditions. ClinVar contains an entry for this variant (Variation ID: 1782919). Advanced modeling of protein sequence and biophysical properties (such as structural, functional, and spatial information, amino acid conservation, physicochemical variation, residue mobility, and thermodynamic stability) performed at Invitae indicates that this missense variant is not expected to disrupt LZTR1 protein function with a negative predictive value of 80%. In summary, the available evidence is currently insufficient to determine the role of this variant in disease. Therefore, it has been classified as a Variant of Uncertain Significance.

Ambry Genetics
Classification: Uncertain significance for Cardiovascular phenotype; Hereditary cancer-predisposing syndrome. Last evaluated: 2022-01-13. Review status: criteria provided, single submitter. Criteria: Ambry Variant Classification Scheme 2023. Collection method: clinical testing. Allele origin: germline.
Comment: The p.V645M variant (also known as c.1933G>A), located in coding exon 16 of the LZTR1 gene, results from a G to A substitution at nucleotide position 1933. The valine at codon 645 is replaced by methionine, an amino acid with highly similar properties. This amino acid position is conserved. In addition, this alteration is predicted to be tolerated by in silico analysis. Since supporting evidence is limited at this time, the clinical significance of this alteration remains unclear.

NM_006767.4(LZTR1):c.1933G>A (p.Val645Met)

Gene: LZTR1 (leucine zipper like post translational regulator 1; plus strand). Cytogenetic location: 22q11.21.
Variant type: single nucleotide variant.
Coding change: c.1933G>A on transcript NM_006767.4 (MANE Select); coding-DNA position 1933, G replaced by A.
Protein change: p.Val645Met; replaces valine 645 with methionine.
Molecular consequence: missense variant.
Genome position (GRCh38, 1-based): chr22:20,995,017, G>A. VCF-style: chr22-20995017-G-A. GRCh37 (hg19) VCF-style: chr22-21349306-G-A.
Other names: short protein forms V645M.
Identifiers: ClinVar variation 1782919 (VCV001782919.4), dbSNP rs1414655830, ClinGen allele CA410778759.